The following is an entry in ClinVar:

NM_017617.5(NOTCH1):c.3232C>T (p.His1078Tyr)

Gene: NOTCH1 (notch receptor 1; minus strand). Cytogenetic location: 9q34.3.
Variant type: single nucleotide variant.
Coding change: c.3232C>T on transcript NM_017617.5 (MANE Select); coding-DNA position 3232, C replaced by T.
Protein change: p.His1078Tyr; replaces histidine 1078 with tyrosine.
Molecular consequence: missense variant.
Genome position (GRCh38, 1-based): chr9:136,508,325, G>A on the plus strand (C>T on the coding strand, the complement: NOTCH1 is on the minus strand). VCF-style: chr9-136508325-G-A. GRCh37 (hg19) VCF-style: chr9-139402777-G-A.
Other names: short protein forms H1078Y.
Identifiers: ClinVar variation 1443106 (VCV001443106.9), dbSNP rs1233569898, ClinGen allele CA375552233.

ClinVar aggregate classification (germline): Uncertain significance. Review status: criteria provided, multiple submitters, no conflicts (2 of 4 stars). 2 submissions from 2 submitters: Uncertain significance (2). Last evaluated 2023-02-03.

Conditions:
Adams-Oliver syndrome 5 (AOS5). Identifiers: Orphanet 974, MedGen C4014970, MONDO:0014459, OMIM 616028.

Allele frequency attached by ClinVar (database versions not stated): gnomAD exomes below 0.00001.
gnomAD v4.1: 6 of 1,613,056 alleles (0.00037%); highest among the groups gnomAD compares: Non-Finnish European, 0.00042%; no homozygotes.

Submissions (2):

Labcorp Genetics (formerly Invitae), Labcorp
Classification: Uncertain significance for Adams-Oliver syndrome 5. Last evaluated: 2023-02-03. Review status: criteria provided, single submitter. Criteria: Invitae Variant Classification Sherloc (09022015). Collection method: clinical testing. Allele origin: germline.
Comment: In summary, the available evidence is currently insufficient to determine the role of this variant in disease. Therefore, it has been classified as a Variant of Uncertain Significance. Advanced modeling of protein sequence and biophysical properties (such as structural, functional, and spatial information, amino acid conservation, physicochemical variation, residue mobility, and thermodynamic stability) performed at Invitae indicates that this missense variant is not expected to disrupt NOTCH1 protein function. ClinVar contains an entry for this variant (Variation ID: 1443106). This variant has not been reported in the literature in individuals affected with NOTCH1-related conditions. This variant is present in population databases (no rsID available, gnomAD 0.0009%). This sequence change replaces histidine, which is basic and polar, with tyrosine, which is neutral and polar, at codon 1078 of the NOTCH1 protein (p.His1078Tyr).

Breakthrough Genomics
Classification: Uncertain significance. Review status: criteria provided, single submitter. Criteria: ACMG Guidelines, 2015. Collection method: not provided. Allele origin: germline. Inheritance: Autosomal dominant inheritance. Affected: yes.